The following is an entry in ClinVar:

NM_001366385.1(CARD14):c.1662C>T (p.Gly554=)

Gene: CARD14 (caspase recruitment domain family member 14; plus strand). Cytogenetic location: 17q25.3.
Variant type: single nucleotide variant.
Coding change: c.1662C>T on transcript NM_001366385.1 (MANE Select); coding-DNA position 1662, C replaced by T.
Protein change: p.Gly554=; no amino-acid change (glycine 554 retained).
Molecular consequence: synonymous variant. On other transcripts: non-coding transcript variant (1).
Genome position (GRCh38, 1-based): chr17:80,198,402, C>T. VCF-style: chr17-80198402-C-T. GRCh37 (hg19) VCF-style: chr17-78172201-C-T.
Other names: c.1662C>T, p.Gly554= (NM_001257970.1, NM_024110.4); c.951C>T, p.Gly317= (NM_052819.3).
Identifiers: ClinVar variation 527883 (VCV000527883.26), dbSNP rs149971215, ClinGen allele CA8816942.

ClinVar aggregate classification (germline): Benign/Likely benign. Review status: criteria provided, multiple submitters, no conflicts (2 of 4 stars). 6 submissions from 6 submitters: Benign (3); Likely benign (2). 1 of the submissions does not count toward it. Last evaluated 2026-01-22.

Conditions:
Autoinflammatory syndrome. Identifiers: Orphanet 93665, MedGen C3890737, MONDO:0019751.
Pityriasis rubra pilaris (PRP). Also called: Pityriasis rubra pilaris--familial type. Identifiers: Orphanet 2897, MedGen C0032027, MONDO:0100017, OMIM 173200, MONDO:0008251.
Psoriasis 2. Identifiers: MedGen C1864497, MONDO:0011269, OMIM 602723.
CARD14-related disorder. Also called: CARD14-related condition.

Allele frequency attached by ClinVar (database versions not stated): gnomAD exomes 0.00045 and 0.00120; ExAC 0.00145; gnomAD 0.00366 and 0.00397; TOPMed 0.00417; 1000 Genomes Project 0.00439; 1000 Genomes Project 30x 0.00453; ESP Exome Variant Server 0.00508.
gnomAD v4.1: 1,236 of 1,599,072 alleles (0.077%); highest among the groups gnomAD compares: African/African-American, 1.2%; 6 homozygotes.

Submissions (6):

Women's Health and Genetics/Laboratory Corporation of America, LabCorp
Classification: Benign. Last evaluated: 2026-01-22. Review status: criteria provided, single submitter. Criteria: LabCorp Variant Classification Summary - May 2015. Collection method: clinical testing. Allele origin: germline.

Labcorp Genetics (formerly Invitae), Labcorp
Classification: Benign for Pityriasis rubra pilaris; Psoriasis 2. Last evaluated: 2026-01-16. Review status: criteria provided, single submitter. Criteria: Invitae Variant Classification Sherloc (09022015). Collection method: clinical testing. Allele origin: germline.

CeGaT Center for Human Genetics Tuebingen
Classification: Likely benign. Last evaluated: 2025-05-01. Review status: criteria provided, single submitter. Criteria: CeGaT Center For Human Genetics Tuebingen Variant Classification Criteria Version 2. Collection method: clinical testing. Allele origin: germline. Affected: yes. Observed: 2 variant alleles.
Comment: CARD14: BP4, BP7, BS1

Blueprint Genetics
Classification: Likely benign. Last evaluated: 2024-11-27. Review status: criteria provided, single submitter. Criteria: ACMG Guidelines, 2015. Collection method: clinical testing. Allele origin: germline.

Genome Diagnostics Laboratory, The Hospital for Sick Children
Classification: Benign for Autoinflammatory syndrome. Last evaluated: 2019-04-01. Review status: criteria provided, single submitter. Criteria: ACMG Guidelines, 2015. Collection method: clinical testing. Allele origin: germline. Affected: yes.

PreventionGenetics, part of Exact Sciences
Classification: Benign for CARD14-related condition. Last evaluated: 2024-01-12. Review status: no assertion criteria provided. Collection method: clinical testing. Allele origin: germline. Not counted in ClinVar's aggregate classification.
Comment: This variant is classified as benign based on ACMG/AMP sequence variant interpretation guidelines (Richards et al. 2015 PMID: 25741868, with internal and published modifications).